The following is an entry in ClinVar:

ClinVar aggregate classification (germline): Uncertain significance (1 of 4 stars; one submission).

Conditions:
Multiple acyl-CoA dehydrogenase deficiency (MADD). Also called: Glutaric aciduria, type 2; Glutaric acidemia type II; GA 2; ETHYLMALONIC-ADIPICACIDURIA; GA II; Glutaric Acidemia type 2. Identifiers: Orphanet 26791, MedGen C0268596, MONDO:0009282, OMIM 231680.

Submission:

Labcorp Genetics (formerly Invitae), Labcorp
Classification: Uncertain significance for Multiple acyl-CoA dehydrogenase deficiency. Last evaluated: 2022-12-22. Review status: criteria provided, single submitter. Criteria: Invitae Variant Classification Sherloc (09022015). Collection method: clinical testing. Allele origin: germline.
Comment: This sequence change replaces glycine, which is neutral and non-polar, with aspartic acid, which is acidic and polar, at codon 296 of the ETFDH protein (p.Gly296Asp). This variant is not present in population databases (gnomAD no frequency). This missense change has been observed in individual(s) with biochemical features of multiple acyl-CoA dehydrogenase deficiency (Invitae). ClinVar contains an entry for this variant (Variation ID: 1719359). Advanced modeling of protein sequence and biophysical properties (such as structural, functional, and spatial information, amino acid conservation, physicochemical variation, residue mobility, and thermodynamic stability) performed at Invitae indicates that this missense variant is expected to disrupt ETFDH protein function. In summary, the available evidence is currently insufficient to determine the role of this variant in disease. Therefore, it has been classified as a Variant of Uncertain Significance.

NM_004453.4(ETFDH):c.887G>A (p.Gly296Asp)

Gene: ETFDH (electron transfer flavoprotein dehydrogenase; plus strand). Cytogenetic location: 4q32.1.
Variant type: single nucleotide variant.
Coding change: c.887G>A on transcript NM_004453.4 (MANE Select); coding-DNA position 887, G replaced by A.
Protein change: p.Gly296Asp; replaces glycine 296 with aspartic acid.
Molecular consequence: missense variant.
Genome position (GRCh38, 1-based): chr4:158,697,614, G>A. VCF-style: chr4-158697614-G-A. GRCh37 (hg19) VCF-style: chr4-159618766-G-A.
Other names: c.746G>A, p.Gly249Asp (NM_001281737.2); c.704G>A, p.Gly235Asp (NM_001281738.1); short protein forms G235D, G249D, G296D.
Identifiers: ClinVar variation 1719359 (VCV001719359.6), dbSNP rs1774344648, ClinGen allele CA358561431.